The following is an entry in ClinVar:

ClinVar aggregate classification (germline): Uncertain significance (1 of 4 stars; one submission).

Submission:

Ambry Genetics
Classification: Uncertain significance. Last evaluated: 2023-12-18. Review status: criteria provided, single submitter. Criteria: Ambry Variant Classification Scheme 2023. Collection method: clinical testing. Allele origin: germline.
Comment: The c.139_152dup14 variant, located in coding exon 1 of the GALNT12 gene, results from a duplication of GCTGCCGAGCCGGG at nucleotide position 139, causing a translational frameshift with a predicted alternate stop codon (p.P52Lfs*96). The predicted stop codon occurs in the 5&rsquo; end of theGALNT12 gene. Premature termination codons in the 5&rsquo; end of a gene have been reported to escape nonsense-mediated mRNAdecay and/or lead to re-initiation (Rivas et al. Science. 2015 May 8;348(6235):666-9; Lindeboom et al. Nat Genet. 2016 Oct;48(10):1112-8; Rhee et al. Sci Rep. 2017 May 10;7(1):1653). The exact functional effect of this alteration is unknown. In addition, the evidence for this gene-disease relationship is limited; therefore, the clinical significance of this alteration is unclear.

NM_024642.5(GALNT12):c.139_152dup (p.Pro52fs)

Gene: GALNT12 (polypeptide N-acetylgalactosaminyltransferase 12; plus strand). Cytogenetic location: 9q22.33.
Variant type: Duplication.
Coding change: c.139_152dup on transcript NM_024642.5 (MANE Select); coding-DNA positions 139 to 152, 14 bases duplicated (GCTGCCGAGCCGGG).
Protein change: p.Pro52fs; shifts the reading frame from proline 52.
Molecular consequence: frameshift variant.
Genome position (GRCh38, 1-based): chr9:98,807,837-98,807,850, GCTGCCGAGCCGGG duplicated; duplicating any 14 consecutive bases within chr9:98,807,831-98,807,850 gives the same sequence; the c. name uses the placement nearest the transcript's 3' end. VCF-style (leftmost placement, unchanged base first): chr9-98807830-G-GGCCGGGGCTGCCGA. GRCh37 (hg19) VCF-style: chr9-101570112-G-GGCCGGGGCTGCCGA.
Other names: short protein forms P52fs.
Identifiers: ClinVar variation 3227917 (VCV003227917.1), dbSNP rs2490455245, ClinGen allele CA2690949100.
Genomic context (GRCh38, chr9:98,807,830, plus strand): 5'-CCTGGCGCTACTGGCGTTGGCCGGGCTGGGCTCGGTGCTGCGGGCGCAGCGTGGGGCCGG[G>GGCCGGGGCTGCCGA]GCCGGGGCTGCCGAGCCGGGACCCCCGCGCACCCCGCGCCCCGGGCGGCGCGAGCCGGTC-3'